The following is an entry in ClinVar:

ClinVar aggregate classification (germline): Uncertain significance. Review status: criteria provided, multiple submitters, no conflicts (2 of 4 stars). 2 submissions from 2 submitters: Uncertain significance (2). Last evaluated 2024-01-30.

Conditions:
Inborn genetic diseases. Identifiers: MedGen C0950123, MeSH D030342.
Charcot-Marie-Tooth disease type 4. Also called: Charcot-Marie-Tooth, Type 4; Charcot-Marie-Tooth disease, type IV. Identifiers: Orphanet 64749, MedGen C4082197, MONDO:0018995.

Allele frequency attached by ClinVar (database versions not stated): gnomAD 0.00001 and 0.00003; gnomAD exomes 0.00002 and 0.00007; TOPMed 0.00005; ExAC 0.00008; ESP Exome Variant Server 0.00015; 1000 Genomes Project 30x 0.00031; 1000 Genomes Project 0.00040.
gnomAD v4.1: 38 of 1,613,976 alleles (0.0024%); highest among the groups gnomAD compares: Admixed American, 0.013%; no homozygotes.

Submissions (2):

Ambry Genetics
Classification: Uncertain significance for Inborn genetic diseases. Last evaluated: 2024-01-30. Review status: criteria provided, single submitter. Criteria: Ambry Variant Classification Scheme 2023. Collection method: clinical testing. Allele origin: germline.

Labcorp Genetics (formerly Invitae), Labcorp
Classification: Uncertain significance for Charcot-Marie-Tooth disease type 4. Last evaluated: 2021-08-28. Review status: criteria provided, single submitter. Criteria: Invitae Variant Classification Sherloc (09022015). Collection method: clinical testing. Allele origin: germline.
Comment: This sequence change replaces arginine with glutamine at codon 1176 of the SBF2 protein (p.Arg1176Gln). The arginine residue is moderately conserved and there is a small physicochemical difference between arginine and glutamine. This variant is present in population databases (rs185264589, ExAC 0.04%). This variant has not been reported in the literature in individuals affected with SBF2-related conditions. Algorithms developed to predict the effect of missense changes on protein structure and function are either unavailable or do not agree on the potential impact of this missense change (SIFT: "Tolerated"; PolyPhen-2: "Probably Damaging"; Align-GVGD: "Class C0"). In summary, the available evidence is currently insufficient to determine the role of this variant in disease. Therefore, it has been classified as a Variant of Uncertain Significance.

NM_030962.4(SBF2):c.3527G>A (p.Arg1176Gln)

Gene: SBF2 (SET binding factor 2; minus strand). Cytogenetic location: 11p15.4.
Variant type: single nucleotide variant.
Coding change: c.3527G>A on transcript NM_030962.4 (MANE Select); coding-DNA position 3527, G replaced by A.
Protein change: p.Arg1176Gln; replaces arginine 1176 with glutamine.
Molecular consequence: missense variant.
Genome position (GRCh38, 1-based): chr11:9,832,349, C>T on the plus strand (G>A on the coding strand, the complement: SBF2 is on the minus strand). VCF-style: chr11-9832349-C-T. GRCh37 (hg19) VCF-style: chr11-9853896-C-T.
Other names: c.3527G>A, p.Arg1176Gln (NM_001386339.1); c.3398G>A, p.Arg1133Gln (NM_001386342.1); c.3527G>A (NM_030962.3); short protein forms R1176Q, R1133Q.
Identifiers: ClinVar variation 1025253 (VCV001025253.7), dbSNP rs185264589, ClinGen allele CA5881239.
Genomic context (GRCh38, chr11:9,832,349, plus strand): 5'-CGGAGGAGCAGAGTACCACTTCTTGAGTTCTTCCAACATACAACAGGCAGGCGATTGTGT[C>T]GATAGCAGCGAGCTACTCTTGGTAAACTACTGTCCTGTACAGCTTGAGGTACGACTAAAA-3'
Protein context (NP_112224.1, residues 1166-1186): SSLPRVARCY[Arg1176Gln]HNRLPVVCWK